The following is an entry in ClinVar:

ClinVar aggregate classification (germline): Uncertain significance (1 of 4 stars; one submission).

Conditions:
Long QT syndrome (LQTS). Identifiers: MedGen C0023976, MeSH D008133, MONDO:0002442. Disease mechanism: loss of function. Inheritance: Various modes of inheritance.

Submission:

Labcorp Genetics (formerly Invitae), Labcorp
Classification: Uncertain significance for Long QT syndrome. Last evaluated: 2024-07-15. Review status: criteria provided, single submitter. Criteria: Invitae Variant Classification Sherloc (09022015). Collection method: clinical testing. Allele origin: germline.
Comment: This sequence change replaces leucine, which is neutral and non-polar, with proline, which is neutral and non-polar, at codon 529 of the KCNH2 protein (p.Leu529Pro). This variant is not present in population databases (gnomAD no frequency). This variant has not been reported in the literature in individuals affected with KCNH2-related conditions. An algorithm developed to predict the effect of missense changes on protein structure and function (PolyPhen-2) suggests that this variant is likely to be disruptive. In summary, the available evidence is currently insufficient to determine the role of this variant in disease. Therefore, it has been classified as a Variant of Uncertain Significance.

NM_000238.4(KCNH2):c.1586T>C (p.Leu529Pro)

Gene: KCNH2 (potassium voltage-gated channel subfamily H member 2; minus strand). Cytogenetic location: 7q36.1.
Variant type: single nucleotide variant.
Coding change: c.1586T>C on transcript NM_000238.4 (MANE Select); coding-DNA position 1586, T replaced by C.
Protein change: p.Leu529Pro; replaces leucine 529 with proline.
Molecular consequence: missense variant. On other transcripts: non-coding transcript variant (2).
Genome position (GRCh38, 1-based): chr7:150,951,807, A>G on the plus strand (T>C on the coding strand, the complement: KCNH2 is on the minus strand). VCF-style: chr7-150951807-A-G. GRCh37 (hg19) VCF-style: chr7-150648895-A-G.
Other names: c.566T>C, p.Leu189Pro (NM_001204798.2, NM_172057.3); c.1298T>C, p.Leu433Pro (NM_001406753.1, NM_001406756.1); c.1409T>C, p.Leu470Pro (NM_001406755.1); c.1286T>C, p.Leu429Pro (NM_001406757.1); c.1586T>C, p.Leu529Pro (NM_172056.3); short protein forms L470P, L529P, L189P, L429P, L433P.
Identifiers: ClinVar variation 3659529 (VCV003659529.2).